The following continues an entry in ClinVar:

NM_001163435.3(TBCK):c.376C>T (p.Arg126Ter)

Gene: TBCK. ClinVar aggregate classification (germline): Pathogenic. Pathogenic (13).

Submissions 10 to 18 of 18:

New York Genome Center
Classification: Pathogenic for Hypotonia, infantile, with psychomotor retardation and characteristic facies 3. Last evaluated: 2021-08-26. Review status: criteria provided, single submitter. Criteria: NYGC Assertion Criteria 2020. Collection method: clinical testing. Allele origin: inherited, germline. Affected: yes. Observed: 4 heterozygotes, 1 homozygote. Clinical features observed: Intellectual disability (HP:0001249), Autism (HP:0000717), Seizure (HP:0001250), Autistic behavior (HP:0000729), Asthma (HP:0002099), Hypoplastic hippocampus (HP:0025517), Strabismus (HP:0000486), Global developmental delay (HP:0001263), Generalized hypotonia (HP:0001290), Functional abnormality of male internal genitalia (HP:0000025), Hydrocephalus (HP:0000238), Delayed speech and language development (HP:0000750), and 1 more. Study: CSER-NYCKidSeq.
Comment: The c.376C>T (p.Arg126Ter) variant identified in the TBCK gene results in the premature termination of the protein at amino acid 126/894 (coding exon 4/26). This is predicted to lead to the termination of the protein within the protein kinase domain and result in the absence of Rab-GAP TBC and RHOD domains. This variant is found with low frequency in gnomAD (13 heterozygotes, 0 homozygotes; allele frequency: 7.48e-5) suggesting it is not a common benign variant in the populations represented in this database. This variant is reported as Pathogenic/Likely Pathogenic in ClinVar (VarID:225235), and has been reported in more than 10 affected individuals in the literature [PMID:27040692; PMID:27040691; PMID:29283439; PMID:31618753] in both homozygosity [PMID:27040692; PMID:27040691; PMID:29283439] and in compound heterozygosity with a second pathogenic variant [PMID:27040691; PMID:29283439]. Functional studies suggest this variant leads to increased levels of autophagic flux. Given the deleterious nature of the homozygous c.376C>T (p.Arg126Ter) variant identified in this individual, its low frequency in population databases, and the observation in many affected individuals in the literature, it is reported here as Pathogenic.

Baylor Genetics
Classification: Pathogenic for Hypotonia, infantile, with psychomotor retardation and characteristic facies 3. Last evaluated: 2019-12-17. Review status: criteria provided, single submitter. Criteria: ACMG Guidelines, 2015. Collection method: clinical testing. Allele origin: unknown. Affected: yes.
Comment: This variant was determined to be pathogenic according to ACMG Guidelines, 2015 [PMID:25741868].

Women's Health and Genetics/Laboratory Corporation of America, LabCorp
Classification: Pathogenic for Hypotonia, infantile, with psychomotor retardation and characteristic facies 3. Last evaluated: 2019-10-25. Review status: criteria provided, single submitter. Criteria: LabCorp Variant Classification Summary - May 2015. Collection method: clinical testing. Allele origin: germline.
Comment: Variant summary: TBCK c.376C>T (p.Arg126X) results in a premature termination codon, predicted to cause a truncation of the encoded protein or absence of the protein due to nonsense mediated decay, which are commonly known mechanisms for disease. The variant allele was found at a frequency of 7.7e-05 in 142542 control chromosomes (gnomAD). This frequency is not higher than expected for a pathogenic variant in TBCK causing Hypotonia, infantile, with psychomotor retardation and characteristic facies 3 (7.7e-05 vs 0.0011). c.376C>T has been reported in the literature in multiple individuals, predominantly of Puerto Rican descent (in compound heterozygous or homozygous state) affected with Hypotonia, infantile, with psychomotor retardation and characteristic facies 3 (Chong_2016, Bhoj_2016, Ortiz-Gonzlez_2018). These data indicate that the variant is very likely to be associated with disease. Chong_2016 reports the variant perturbs the levels of both major TBCK protein isoforms in fibroblasts. Five ClinVar submitters (evaluation after 2014) cite the variant as pathogenic/likely pathogenic. Based on the evidence outlined above, the variant was classified as pathogenic.

Fulgent Genetics
Classification: Pathogenic for Hypotonia, infantile, with psychomotor retardation and characteristic facies 3. Last evaluated: 2018-10-31. Review status: criteria provided, single submitter. Criteria: ACMG Guidelines, 2015. Collection method: clinical testing. Allele origin: unknown.

Biochemical Molecular Genetic Laboratory, King Abdulaziz Medical City
Classification: Pathogenic for Hypotonia, infantile, with psychomotor retardation and characteristic facies 3. Last evaluated: 2020-08-07. Review status: no assertion criteria provided. Collection method: clinical testing. Allele origin: germline. Affected: yes. Not counted in ClinVar's aggregate classification.

OMIM
Classification: Pathogenic for HYPOTONIA, INFANTILE, WITH PSYCHOMOTOR RETARDATION AND CHARACTERISTIC FACIES 3. Last evaluated: 2016-05-19. Review status: no assertion criteria provided. Collection method: literature only. Allele origin: germline. Not counted in ClinVar's aggregate classification.

University of Washington Center for Mendelian Genomics, University of Washington
Classification: Likely pathogenic for Syndromic Infantile Encephalopathy. Last evaluated: 2016-04-07. Review status: no assertion criteria provided. Collection method: research. Allele origin: unknown. Affected: yes. Observed: 2 heterozygotes. Not counted in ClinVar's aggregate classification.

Diagnostic Laboratory, Department of Genetics, University Medical Center Groningen
Classification: Pathogenic. Review status: no assertion criteria provided. Collection method: clinical testing. Allele origin: germline. Affected: yes. Study: VKGL Data-share Consensus. Not counted in ClinVar's aggregate classification.

Genome Diagnostics Laboratory, University Medical Center Utrecht
Classification: Pathogenic. Review status: no assertion criteria provided. Collection method: clinical testing. Allele origin: germline. Affected: yes. Study: VKGL Data-share Consensus. Not counted in ClinVar's aggregate classification.

Literature cited by the submitters: PubMed 27040692 (cited by 7 submitters); PubMed 30103036 (cited by Labcorp Genetics (formerly Invitae), Labcorp); PubMed 27040691 (cited by 5 submitters); PubMed 34816123 (cited by Broad Center for Mendelian Genomics, Broad Institute of MIT and Harvard); PubMed 29283439 (cited by 3 submitters); PubMed 30577886 (cited by Ambry Genetics); PubMed 31618753 (cited by Ambry Genetics and New York Genome Center).